The following is an entry in ClinVar:

ClinVar aggregate classification (germline): Uncertain significance (1 of 4 stars; one submission).

Submission:

GeneDx
Classification: Uncertain significance. Last evaluated: 2025-10-02. Review status: criteria provided, single submitter. Criteria: GeneDx Variant Classification Process June 2021. Collection method: clinical testing. Allele origin: germline.
Comment: Not observed at significant frequency in large population cohorts (gnomAD); In silico analysis supports that this missense variant has a deleterious effect on protein structure/function; Has not been previously published as pathogenic or benign to our knowledge

NM_014974.3(DIP2C):c.1343G>T (p.Gly448Val)

Gene: DIP2C (DIP2 acetate--CoA ligase C (putative); minus strand). Cytogenetic location: 10p15.3.
Variant type: single nucleotide variant.
Coding change: c.1343G>T on transcript NM_014974.3 (MANE Select); coding-DNA position 1343, G replaced by T.
Protein change: p.Gly448Val; replaces glycine 448 with valine.
Molecular consequence: missense variant.
Genome position (GRCh38, 1-based): chr10:390,781, C>A on the plus strand (G>T on the coding strand, the complement: DIP2C is on the minus strand). VCF-style: chr10-390781-C-A. GRCh37 (hg19) VCF-style: chr10-436721-C-A.
Other names: short protein forms G448V.
Identifiers: ClinVar variation 3390529 (VCV003390529.2).